The following is an entry in ClinVar:

NM_001276270.2(MBD4):c.1259-6G>T

Gene: MBD4 (methyl-CpG binding domain 4, DNA glycosylase; minus strand). Cytogenetic location: 3q21.3.
Variant type: single nucleotide variant.
Coding change: c.1259-6G>T on transcript NM_001276270.2 (MANE Select); 6 bases into the intron before coding-DNA position 1259, G replaced by T.
Molecular consequence: intron variant.
Genome position (GRCh38, 1-based): chr3:129,433,990, C>A on the plus strand (G>T on the coding strand, the complement: MBD4 is on the minus strand). VCF-style: chr3-129433990-C-A. GRCh37 (hg19) VCF-style: chr3-129152833-C-A.
Other names: c.323-6G>T (NM_001276273.2); c.1277-6G>T (NM_001276272.2, NM_003925.3, NM_001276271.2).
Identifiers: ClinVar variation 4875950 (VCV004875950.1).

ClinVar aggregate classification (germline): Likely benign (1 of 4 stars; one submission).

Conditions:
Tumor predisposition syndrome 2 (TPDS2). Also called: MBD4-ASSOCIATED NEOPLASIA SYNDROME; MBD4-Related Tumor Predisposition Syndrome; MBD4-associated neoplasia syndrome (MANS). Identifiers: Orphanet 661526, MedGen C5774186, MONDO:0859267, OMIM 619975.

gnomAD v4.1: 1 of 1,614,074 alleles (0.000062%); highest among the groups gnomAD compares: Admixed American, 0.0017%; no homozygotes.

Submission:

Myriad Genetics, Inc.
Classification: Likely benign for Tumor predisposition syndrome 2. Last evaluated: 2026-06-09. Review status: criteria provided, single submitter. Criteria: Myriad Autosomal Dominant, Autosomal Recessive and X-Linked Classification Criteria (2023). Collection method: clinical testing. Allele origin: unknown.
Comment: This variant is considered likely benign. This variant is intronic and is not expected to impact mRNA splicing.